The following is an entry in ClinVar:

NM_001614.5(ACTG1):c.598_611del (p.Phe200fs)

Gene: ACTG1 (actin gamma 1; minus strand). Cytogenetic location: 17q25.3.
Variant type: Deletion.
Coding change: c.598_611del on transcript NM_001614.5 (MANE Select); coding-DNA positions 598 to 611, 14 bases deleted (TTCACCACCACGGC).
Protein change: p.Phe200fs; shifts the reading frame from phenylalanine 200.
Molecular consequence: frameshift variant. On other transcripts: non-coding transcript variant (1).
Genome position (GRCh38, 1-based): chr17:81,511,379-81,511,392, GCCGTGGTGGTGAA deleted on the plus strand (TTCACCACCACGGC on the coding strand, the reverse complement: ACTG1 is on the minus strand); deleting any 14 consecutive bases within chr17:81,511,379-81,511,394 gives the same sequence; the c. name uses the placement nearest the transcript's 3' end. VCF-style (leftmost placement, unchanged base first): chr17-81511378-GGCCGTGGTGGTGAA-G. GRCh37 (hg19) VCF-style: chr17-79478404-GGCCGTGGTGGTGAA-G.
Other names: c.598_611del, p.Phe200fs (NM_001199954.3); short protein forms F200fs.
Identifiers: ClinVar variation 3731221 (VCV003731221.1).

ClinVar aggregate classification (germline): Uncertain significance (1 of 4 stars; one submission).

Submission:

GeneDx
Classification: Uncertain significance. Last evaluated: 2024-08-14. Review status: criteria provided, single submitter. Criteria: GeneDx Variant Classification Process June 2021. Collection method: clinical testing. Allele origin: germline. Affected: yes.
Comment: Not observed at significant frequency in large population cohorts (gnomAD); Has not been previously published as pathogenic or benign to our knowledge; Frameshift variant predicted to result in protein truncation or nonsense mediated decay in a gene for which loss-of-function is not a known mechanism of disease